The following is an entry in ClinVar:

ClinVar aggregate classification (germline): Likely pathogenic (1 of 4 stars; one submission).

Submission:

GeneDx
Classification: Likely pathogenic. Last evaluated: 2017-03-06. Review status: criteria provided, single submitter. Criteria: GeneDx Variant Classification (06012015). Collection method: clinical testing. Allele origin: germline. Affected: yes.
Comment: The H185P variant in the IDUA gene has not been reported previously as a pathogenic variant, nor as a benign variant, to our knowledge. The H185P variant is not observed in large population cohorts (Lek et al., 2016; 1000 Genomes Consortium et al., 2015; Exome Variant Server). The H185P variant is a non-conservative amino acid substitution, which is likely to impact secondary protein structure as these residues differ in polarity, charge, size and/or other properties. This substitution occurs at a position that is conserved in mammals, and in silico analysis predicts this variant is probably damaging to the protein structure/function. The H185P variant is a strong candidate for a pathogenic variant.

NM_000203.5(IDUA):c.554A>C (p.His185Pro)

Gene: IDUA (alpha-L-iduronidase; plus strand). Cytogenetic location: 4p16.3.
Variant type: single nucleotide variant.
Coding change: c.554A>C on transcript NM_000203.5 (MANE Select); coding-DNA position 554, A replaced by C.
Protein change: p.His185Pro; replaces histidine 185 with proline.
Molecular consequence: missense variant. On other transcripts: non-coding transcript variant (1).
Genome position (GRCh38, 1-based): chr4:1,001,528, A>C. VCF-style: chr4-1001528-A-C. GRCh37 (hg19) VCF-style: chr4-995316-A-C.
Other names: c.158A>C, p.His53Pro (NM_001363576.1); short protein forms H185P, H53P.
Identifiers: ClinVar variation 424024 (VCV000424024.2), dbSNP rs1064796754, ClinGen allele CA16618019.